The following is an entry in ClinVar:

ClinVar aggregate classification (germline): Uncertain significance. Review status: criteria provided, multiple submitters, no conflicts (2 of 4 stars). 2 submissions from 2 submitters: Uncertain significance (2). Last evaluated 2024-05-17.

Conditions:
Inborn genetic diseases. Identifiers: MedGen C0950123, MeSH D030342.

gnomAD v4.1: 3 of 1,610,510 alleles (0.00019%); highest among the groups gnomAD compares: Admixed American, 0.005%; no homozygotes.

Submissions (2):

Ambry Genetics
Classification: Uncertain significance for Inborn genetic diseases. Last evaluated: 2024-05-17. Review status: criteria provided, single submitter. Criteria: Ambry Variant Classification Scheme 2023. Collection method: clinical testing. Allele origin: germline.
Comment: The p.V110F variant (also known as c.328G>T), located in coding exon 3 of the GSS gene, results from a G to T substitution at nucleotide position 328. The valine at codon 110 is replaced by phenylalanine, an amino acid with highly similar properties. This amino acid position is conserved. In addition, this alteration is predicted to be deleterious by in silico analysis. Based on the available evidence, the clinical significance of this variant remains unclear.

Revvity Omics, Revvity
Classification: Uncertain significance. Last evaluated: 2024-04-02. Review status: criteria provided, single submitter. Criteria: ACMG Guidelines, 2015. Collection method: clinical testing. Allele origin: germline.

NM_000178.4(GSS):c.328G>T (p.Val110Phe)

Gene: GSS (glutathione synthetase; minus strand). Cytogenetic location: 20q11.22.
Variant type: single nucleotide variant.
Coding change: c.328G>T on transcript NM_000178.4 (MANE Select); coding-DNA position 328, G replaced by T.
Protein change: p.Val110Phe; replaces valine 110 with phenylalanine.
Molecular consequence: missense variant.
Genome position (GRCh38, 1-based): chr20:34,942,954, C>A on the plus strand (G>T on the coding strand, the complement: GSS is on the minus strand). VCF-style: chr20-34942954-C-A. GRCh37 (hg19) VCF-style: chr20-33530757-C-A.
Other names: c.328G>T, p.Val110Phe (NM_001322494.1, NM_001322495.1); short protein forms V110F.
Identifiers: ClinVar variation 3282997 (VCV003282997.2).